The following is an entry in ClinVar:

NM_017890.5(VPS13B):c.4246C>T (p.Arg1416Ter)

Gene: VPS13B (vacuolar protein sorting 13 homolog B; plus strand). Cytogenetic location: 8q22.2.
Variant type: single nucleotide variant.
Coding change: c.4246C>T on transcript NM_017890.5 (MANE Plus Clinical); coding-DNA position 4246, C replaced by T.
Protein change: p.Arg1416Ter; replaces arginine 1416 with a stop codon.
Molecular consequence: nonsense. On other transcripts: intron variant (1).
Genome position (GRCh38, 1-based): chr8:99,507,858, C>T. VCF-style: chr8-99507858-C-T. GRCh37 (hg19) VCF-style: chr8-100520086-C-T.
Other names: c.4224+655C>T (NM_152564.5); short protein forms R1416*.
Identifiers: ClinVar variation 489015 (VCV000489015.17), dbSNP rs145741622, ClinGen allele CA4823475.
Genomic context (GRCh38, chr8:99,507,858, plus strand): 5'-CAATGTGGAGGTGTCTTCCTTTCCTGTACTGACAAGCTGAACAGACGCACCTTGTTGGTT[C>T]GACCCATCAGCAAGCAGGACCCTTTCAGTAATTGCTCTGGCTTCTTTCCTTCTGTAAGAA-3'

ClinVar aggregate classification (germline): Pathogenic/Likely pathogenic. Review status: criteria provided, multiple submitters, no conflicts (2 of 4 stars). 6 submissions from 6 submitters: Pathogenic (2); Likely pathogenic (3). 1 of the submissions does not count toward it. Last evaluated 2026-03-06.

Conditions:
VPS13B-related disorder. Also called: VPS13B-related condition.
Cohen syndrome (COH1). Also called: PEPPER SYNDROME; Cutis verticis gyrata, retinitis pigmentosa, and sensorineural deafness. Identifiers: Orphanet 193, MedGen C0265223, MONDO:0008999, OMIM 216550.

Allele frequency attached by ClinVar (database versions not stated): gnomAD 0.00001; gnomAD exomes 0.00003 and 0.00004; TOPMed 0.00003; ExAC 0.00005; ESP Exome Variant Server 0.00023.
gnomAD v4.1: 43 of 1,613,914 alleles (0.0027%); highest among the groups gnomAD compares: East Asian, 0.018%; no homozygotes.

Submissions (6):

PreventionGenetics, part of Exact Sciences
Classification: Pathogenic for VPS13B-related condition. Last evaluated: 2026-03-06. Review status: criteria provided, single submitter. Criteria: ACMG Guidelines, 2015. Collection method: clinical testing. Allele origin: germline.
Comment: The VPS13B c.4246C>T variant is predicted to result in premature protein termination (p.Arg1416*). This variant was reported in an individual with Cohen syndrome (supplementary data, Hou et al. 2020. PubMed ID: 31980526). This variant is reported in 0.0088% of alleles in individuals of European (Non-Finnish) descent in gnomAD. Nonsense variants in VPS13B are expected to be pathogenic. This variant is interpreted as pathogenic.

Labcorp Genetics (formerly Invitae), Labcorp
Classification: Pathogenic for Cohen syndrome. Last evaluated: 2026-01-20. Review status: criteria provided, single submitter. Criteria: Invitae Variant Classification Sherloc (09022015). Collection method: clinical testing. Allele origin: germline.
Comment: This sequence change creates a premature translational stop signal (p.Arg1416*) in the VPS13B gene. It is expected to result in an absent or disrupted protein product. Loss-of-function variants in VPS13B are known to be pathogenic (PMID: 15141358, 16648375, 20461111). This variant is present in population databases (rs145741622, gnomAD 0.008%). This variant has not been reported in the literature in individuals affected with VPS13B-related conditions. ClinVar contains an entry for this variant (Variation ID: 489015). Algorithms developed to predict the effect of sequence changes on RNA splicing suggest that this variant may disrupt the consensus splice site. For these reasons, this variant has been classified as Pathogenic.

Natera, Inc.
Classification: Likely pathogenic for Cohen syndrome. Last evaluated: 2025-04-25. Review status: criteria provided, single submitter. Criteria: Natera Variant Classification Schema (03/2026). Collection method: clinical testing. Allele origin: germline.
Comment: The c.4246C>T variant in VPS13B is a nonsense variant predicted to introduce a stop codon at amino acid 1416. This variant is expected to result in nonsense mediated decay, truncation, or a dysfunctional protein product. This variant is rare in the general population with a frequency below the threshold expected for the associated phenotype(s). Given the available evidence, this variant is classified as Likely Pathogenic.

GeneDx
Classification: Likely pathogenic. Last evaluated: 2024-04-03. Review status: criteria provided, single submitter. Criteria: GeneDx Variant Classification Process June 2021. Collection method: clinical testing. Allele origin: germline. Affected: yes.
Comment: Nonsense variant predicted to result in protein truncation or nonsense mediated decay in a gene for which loss-of-function is a known mechanism of disease; Not observed at significant frequency in large population cohorts (gnomAD); This variant is associated with the following publications: (PMID: 31345219, 31980526)

Department of Pathology and Laboratory Medicine, Sinai Health System
Classification: Likely pathogenic for Cohen syndrome. Last evaluated: 2022-11-08. Review status: criteria provided, single submitter. Criteria: ACMG Guidelines, 2015. Collection method: research. Allele origin: germline.

Counsyl
Classification: Uncertain significance for Cohen syndrome. Last evaluated: 2018-04-11. Review status: no assertion criteria provided. Collection method: clinical testing. Allele origin: unknown. Not counted in ClinVar's aggregate classification.

Literature cited by the submitters: PubMed 15141358 (cited by Labcorp Genetics (formerly Invitae), Labcorp); PubMed 16648375 (cited by Labcorp Genetics (formerly Invitae), Labcorp); PubMed 20461111 (cited by Labcorp Genetics (formerly Invitae), Labcorp); PubMed 19006247 (cited by Counsyl); PubMed 12730828 (cited by Counsyl); PubMed 15498460 (cited by Counsyl).